The following is an entry in ClinVar:

ClinVar aggregate classification (germline): Uncertain significance. Review status: criteria provided, multiple submitters, no conflicts (2 of 4 stars). 2 submissions from 2 submitters: Uncertain significance (2). Last evaluated 2025-04-13.

Conditions:
Cardiovascular phenotype. Identifiers: MedGen CN230736.
Arrhythmogenic right ventricular dysplasia 8 (ARVD8). Also called: ARRHYTHMOGENIC RIGHT VENTRICULAR CARDIOMYOPATHY 8; Arrhythmogenic Right Ventricular Dysplasia/Cardiomyopathy 8; ARRHYTHMOGENIC RIGHT VENTRICULAR DYSPLASIA, FAMILIAL, 8. Identifiers: MedGen C1843896, MONDO:0011831, OMIM 607450.
Arrhythmogenic cardiomyopathy with wooly hair and keratoderma. Also called: Carvajal syndrome; Arrhythmogenic cardiomyopathy with woolly hair and keratoderma; Dilated cardiomyopathy with woolly hair and keratoderma; PALMOPLANTAR KERATODERMA WITH LEFT VENTRICULAR CARDIOMYOPATHY AND WOOLLY HAIR. Identifiers: Orphanet 65282, MedGen C1854063, MONDO:0011581, OMIM 605676.

Allele frequency attached by ClinVar (database versions not stated): gnomAD exomes below 0.00001; gnomAD 0.00001; TOPMed 0.00001.
gnomAD v4.1: 4 of 1,614,086 alleles (0.00025%); highest among the groups gnomAD compares: African/African-American, 0.004%; no homozygotes.

Submissions (2):

Labcorp Genetics (formerly Invitae), Labcorp
Classification: Uncertain significance for Arrhythmogenic cardiomyopathy with wooly hair and keratoderma; Arrhythmogenic right ventricular dysplasia 8. Last evaluated: 2025-04-13. Review status: criteria provided, single submitter. Criteria: Invitae Variant Classification Sherloc (09022015). Collection method: clinical testing. Allele origin: germline.
Comment: This sequence change replaces valine, which is neutral and non-polar, with methionine, which is neutral and non-polar, at codon 2713 of the DSP protein (p.Val2713Met). This variant is not present in population databases (gnomAD no frequency). This variant has not been reported in the literature in individuals affected with DSP-related conditions. ClinVar contains an entry for this variant (Variation ID: 964098). An algorithm developed to predict the effect of missense changes on protein structure and function (PolyPhen-2) suggests that this variant is likely to be tolerated. In summary, the available evidence is currently insufficient to determine the role of this variant in disease. Therefore, it has been classified as a Variant of Uncertain Significance.

Ambry Genetics
Classification: Uncertain significance for Cardiovascular phenotype. Last evaluated: 2023-03-24. Review status: criteria provided, single submitter. Criteria: Ambry Variant Classification Scheme 2023. Collection method: clinical testing. Allele origin: germline.
Comment: The p.V2713M variant (also known as c.8137G>A), located in coding exon 24 of the DSP gene, results from a G to A substitution at nucleotide position 8137. The valine at codon 2713 is replaced by methionine, an amino acid with highly similar properties. This amino acid position is conserved. In addition, the in silico prediction for this alteration is inconclusive. Since supporting evidence is limited at this time, the clinical significance of this alteration remains unclear.

NM_004415.4(DSP):c.8137G>A (p.Val2713Met)

Gene: DSP (desmoplakin; plus strand). Cytogenetic location: 6p24.3.
Variant type: single nucleotide variant.
Coding change: c.8137G>A on transcript NM_004415.4 (MANE Select); coding-DNA position 8137, G replaced by A.
Protein change: p.Val2713Met; replaces valine 2713 with methionine.
Molecular consequence: missense variant.
Genome position (GRCh38, 1-based): chr6:7,585,399, G>A. VCF-style: chr6-7585399-G-A. GRCh37 (hg19) VCF-style: chr6-7585632-G-A.
Other names: c.6340G>A, p.Val2114Met (NM_001008844.3); c.6808G>A, p.Val2270Met (NM_001319034.2); short protein forms V2713M, V2114M, V2270M.
Identifiers: ClinVar variation 964098 (VCV000964098.12), dbSNP rs1219478425, ClinGen allele CA362694515.